The following is an entry in ClinVar:

ClinVar aggregate classification (germline): Pathogenic (1 of 4 stars; one submission).

Conditions:
Retinoblastoma (RB1). Also called: RETINOBLASTOMA, SOMATIC. Identifiers: Orphanet 790, MedGen C0035335, MeSH D012175, MONDO:0008380, OMIM 180200, HP:0009919. Disease mechanism: loss of function. Inheritance: Both sporadic and heritable forms are tested..

Submission:

Labcorp Genetics (formerly Invitae), Labcorp
Classification: Pathogenic for Retinoblastoma. Last evaluated: 2017-11-09. Review status: criteria provided, single submitter. Criteria: Invitae Variant Classification Sherloc (09022015). Collection method: clinical testing. Allele origin: germline.
Comment: For these reasons, this variant has been classified as Pathogenic. Loss-of-function variants in RB1 are known to be pathogenic (PMID: 17096365). Gross deletion of exons 22-23 has been reported in the literature to segregate with retinoblastoma in a family (PMID: 16127685). This variant has been reported in the literature in individuals affected with retinoblastoma (PMID: 16127685). This variant is an out-of-frame deletion of the genomic region encompassing exons 22-23 of the RB1 gene. This is expected to create a premature translational stop signal and result in an absent or disrupted protein product.

Literature cited by the submitters: PubMed 17096365; PubMed 16127685.

NC_000013.11:g.(?_48464992)_(48465374_?)del

Gene: RB1 (RB transcriptional corepressor 1; plus strand). Cytogenetic location: 13q14.2.
Variant type: Deletion.
Identifiers: ClinVar variation 527954 (VCV000527954.7).